The following is an entry in ClinVar:

ClinVar aggregate classification (germline): Uncertain significance (1 of 4 stars; one submission).

Submission:

Medical Genetic Center, Changzhi Maternal and Child Health Care Hospital
Classification: Uncertain significance. Last evaluated: 2025-12-10. Review status: criteria provided, single submitter. Criteria: ACMG/ClinGen CNV Guidelines, 2019. Collection method: clinical testing. Allele origin: unknown.

GRCh38/hg38 4q25(chr4:108664375-109059331)x1

Genes: COL25A1 (collagen type XXV alpha 1 chain; minus strand), ETNPPL (ethanolamine-phosphate phospho-lyase; minus strand), OSTC (oligosaccharyltransferase complex non-catalytic subunit; plus strand), LOC132088989 (Neanderthal introgressed variant-containing enhancer experimental_71593; plus strand). Cytogenetic location: 4q25.
Variant type: copy number loss.
Change: copy number 1 (one copy instead of two) of chr4:108,664,375-109,059,331 (395.0 kb, GRCh38 coordinates, 1-based), cytogenetic band 4q25.
Identifiers: ClinVar variation 4796036 (VCV004796036.1).